The following is an entry in ClinVar:

NM_015015.3(KDM4B):c.1115+652T>G

Gene: KDM4B (lysine demethylase 4B; plus strand). Cytogenetic location: 19p13.3.
Variant type: single nucleotide variant.
Coding change: c.1115+652T>G on transcript NM_015015.3 (MANE Select); 652 bases into the intron after coding-DNA position 1115, T replaced by G.
Molecular consequence: intron variant. On other transcripts: missense variant (1).
Genome position (GRCh38, 1-based): chr19:5,111,470, T>G. VCF-style: chr19-5111470-T-G. GRCh37 (hg19) VCF-style: chr19-5111481-T-G.
Other names: c.1211T>G, p.Leu404Arg (NM_001370093.1); c.1116-305T>G (NM_001370094.1); c.1115+652T>G (NM_001411148.1); short protein forms L404R.
Identifiers: ClinVar variation 5020125 (VCV005020125.1).

ClinVar aggregate classification (germline): Uncertain significance (1 of 4 stars; one submission).

Submission:

Dasa
Classification: Uncertain significance. Last evaluated: 2026-07-25. Review status: criteria provided, single submitter. Criteria: DASA Assertion Criteria. Collection method: clinical testing. Allele origin: germline.
Comment: NM_001370093.1(KDM4B):c.1211T>G (p.Leu404Arg) is a missense variant that results in the substitution of leucine with arginine. This variant is rare in population databases. Computational prediction algorithms are consistent with a benign effect. The currently available literature and clinical evidence are not sufficient to establish a definitive association between this variant and the reported condition. Therefore, this variant is classified as a variant of uncertain significance.